The following is an entry in ClinVar:

ClinVar aggregate classification (germline): Uncertain significance. Review status: criteria provided, multiple submitters, no conflicts (2 of 4 stars). 2 submissions from 2 submitters: Uncertain significance (2). Last evaluated 2024-09-01.

Submissions (2):

Labcorp Genetics (formerly Invitae), Labcorp
Classification: Uncertain significance. Last evaluated: 2024-09-01. Review status: criteria provided, single submitter. Criteria: Invitae Variant Classification Sherloc (09022015). Collection method: clinical testing. Allele origin: germline.
Comment: This sequence change creates a premature translational stop signal (p.Gln595*) in the RECQL gene. While this is not anticipated to result in nonsense mediated decay, it is expected to disrupt the last 55 amino acid(s) of the RECQL protein. This variant is not present in population databases (gnomAD no frequency). This variant has not been reported in the literature in individuals affected with RECQL-related conditions. ClinVar contains an entry for this variant (Variation ID: 1780046). Algorithms developed to predict the effect of sequence changes on RNA splicing suggest that this variant may disrupt the consensus splice site. In summary, the available evidence is currently insufficient to determine the role of this variant in disease. Therefore, it has been classified as a Variant of Uncertain Significance.

Ambry Genetics
Classification: Uncertain significance. Last evaluated: 2021-12-01. Review status: criteria provided, single submitter. Criteria: Ambry Variant Classification Scheme 2023. Collection method: clinical testing. Allele origin: germline.
Comment: The p.Q595* variant (also known as c.1783C>T), located in coding exon 13 of the RECQL gene, results from a C to T substitution at nucleotide position 1783. This changes the amino acid from a glutamine to a stop codon within coding exon 13. This alteration is expected to result in loss of function by premature protein truncation or nonsense-mediated mRNA decay. The evidence for this gene-disease relationship is limited; therefore, the clinical significance of this alteration is unclear.

NM_002907.4(RECQL):c.1783C>T (p.Gln595Ter)

Genes: PYROXD1 (pyridine nucleotide-disulphide oxidoreductase domain 1; plus strand), RECQL (RecQ like helicase; minus strand). Cytogenetic location: 12p12.1.
Variant type: single nucleotide variant.
Coding change: c.1783C>T on transcript NM_002907.4 (MANE Select); coding-DNA position 1783, C replaced by T.
Protein change: p.Gln595Ter; replaces glutamine 595 with a stop codon.
Molecular consequence: nonsense. On other transcripts: 3 prime UTR variant (3).
Genome position (GRCh38, 1-based): chr12:21,470,983, G>A on the plus strand (C>T on the coding strand, the complement: RECQL is on the minus strand). VCF-style: chr12-21470983-G-A. GRCh37 (hg19) VCF-style: chr12-21623917-G-A.
Other names: c.1783C>T, p.Gln595Ter (NM_032941.3); c.*2229G>A (NM_001350912.2, NM_001350913.2, NM_024854.5); short protein forms Q595*.
Identifiers: ClinVar variation 1780046 (VCV001780046.4), dbSNP rs1942937285, ClinGen allele CA384114362.
Genomic context (GRCh38, chr12:21,470,983, plus strand): 5'-ATATACTTTTTAAAATATATAAAACTGAAAATTAATAGCCATTTACCCTGAAAGAGTTCT[G>A]CGTGGACTTTGTCACTTGCATAGTAATAGCATGTGCCTCATTGTTCAGAAGATTAGCTTT-3'